The following is an entry in ClinVar:

ClinVar aggregate classification (germline): Uncertain significance (1 of 4 stars; one submission).

Allele frequency attached by ClinVar (database versions not stated): gnomAD 0.00001; gnomAD exomes 0.00002; TOPMed 0.00002; ExAC 0.00006.
gnomAD v4.1: 27 of 1,614,006 alleles (0.0017%); highest among the groups gnomAD compares: Non-Finnish European, 0.0018%; no homozygotes.

Submission:

GeneDx
Classification: Uncertain significance. Last evaluated: 2026-01-06. Review status: criteria provided, single submitter. Criteria: GeneDx Variant Classification Process June 2021. Collection method: clinical testing. Allele origin: germline.
Comment: Not observed at significant frequency in large population cohorts (gnomAD); In silico analysis supports that this missense variant has a deleterious effect on protein structure/function; Has not been previously published as pathogenic or benign to our knowledge

NM_012208.4(HARS2):c.472C>T (p.Arg158Trp)

Gene: HARS2 (histidyl-tRNA synthetase 2, mitochondrial; plus strand). Cytogenetic location: 5q31.3.
Variant type: single nucleotide variant.
Coding change: c.472C>T on transcript NM_012208.4 (MANE Select); coding-DNA position 472, C replaced by T.
Protein change: p.Arg158Trp; replaces arginine 158 with tryptophan.
Molecular consequence: missense variant. On other transcripts: intron variant (1).
Genome position (GRCh38, 1-based): chr5:140,695,580, C>T. VCF-style: chr5-140695580-C-T. GRCh37 (hg19) VCF-style: chr5-140075165-C-T.
Other names: c.397C>T, p.Arg133Trp (NM_001278731.2); c.490C>T, p.Arg164Trp (NM_001363535.2); c.262C>T, p.Arg88Trp (NM_001363536.2); c.94-158C>T (NM_001278732.2); short protein forms R133W, R158W, R164W, R88W.
Identifiers: ClinVar variation 2662637 (VCV002662637.2), dbSNP rs749279953, ClinGen allele CA3444438.